The following is an entry in ClinVar:

NM_002448.3(MSX1):c.76G>T (p.Gly26Trp)

Genes: MSX1 (msh homeobox 1; plus strand), LOC129992137 (ATAC-STARR-seq lymphoblastoid silent region 15219; plus strand). Cytogenetic location: 4p16.2.
Variant type: single nucleotide variant.
Coding change: c.76G>T on transcript NM_002448.3 (MANE Select); coding-DNA position 76, G replaced by T.
Protein change: p.Gly26Trp; replaces glycine 26 with tryptophan.
Molecular consequence: missense variant.
Genome position (GRCh38, 1-based): chr4:4,859,975, G>T. VCF-style: chr4-4859975-G-T. GRCh37 (hg19) VCF-style: chr4-4861702-G-T.
Other names: short protein forms G26W.
Identifiers: ClinVar variation 4809344 (VCV004809344.1).

ClinVar aggregate classification (germline): Uncertain significance (1 of 4 stars; one submission).

Conditions:
Hypoplastic enamel-onycholysis-hypohidrosis syndrome (TNS). Also called: ECTODERMAL DYSPLASIA 3, WITKOP TYPE; Tooth-and-Nail Syndrome; ECTODERMAL DYSPLASIA 3, TOOTH/NAIL TYPE; WITKOP SYNDROME; NAIL DYSPLASIA WITH HYPODONTIA. Identifiers: Orphanet 2228, MedGen C0406735, MONDO:0008582, OMIM 189500.

gnomAD v4.1: 23 of 1,489,848 alleles (0.0015%); highest among the groups gnomAD compares: Middle Eastern, 0.18%; no homozygotes.

Submission:

Labcorp Genetics (formerly Invitae), Labcorp
Classification: Uncertain significance for Hypoplastic enamel-onycholysis-hypohidrosis syndrome. Last evaluated: 2025-02-23. Review status: criteria provided, single submitter. Criteria: Invitae Variant Classification Sherloc (09022015). Collection method: clinical testing. Allele origin: germline.
Comment: This sequence change replaces glycine, which is neutral and non-polar, with tryptophan, which is neutral and slightly polar, at codon 26 of the MSX1 protein (p.Gly26Trp). The frequency data for this variant in the population databases is considered unreliable, as metrics indicate poor data quality at this position in the gnomAD database. This missense change has been observed in individual(s) with hypodontia (PMID: 33725141). An algorithm developed to predict the effect of missense changes on protein structure and function (PolyPhen-2) suggests that this variant is likely to be disruptive. In summary, the available evidence is currently insufficient to determine the role of this variant in disease. Therefore, it has been classified as a Variant of Uncertain Significance.

Literature cited by the submitters: PubMed 33725141.